The following continues an entry in ClinVar:

NM_007194.4(CHEK2):c.231CCAAGAACCTGAGGA[1] (p.77DQEPE[1])

Gene: CHEK2. ClinVar aggregate classification (germline): Conflicting classifications of pathogenicity. Uncertain significance (24); Likely benign (3).

Submissions 8 to 25 of 30:

Quest Diagnostics Nichols Institute San Juan Capistrano
Classification: Uncertain significance. Last evaluated: 2025-05-01. Review status: criteria provided, single submitter. Criteria: Quest Diagnostics criteria. Collection method: clinical testing. Allele origin: unknown.
Comment: The CHEK2 c.246_260del (p.Asp82_Glu86del) variant (also known as 245del15, del223-237, delP75-E79, D77-E82del) has been reported in the published literature in individuals with breast/ovarian cancer (PMIDs: 38003901 (2023), 37316882 (2023), 34326862 (2021), 29522266 (2018)), paraganglioma/pheochromocytoma (PMID: 34630562 (2021)), prostate cancer (PMIDs: 32190957 (2020), 12533788 (2003)), Lynch syndrome-associated cancer/polyps (PMID: 25980754 (2015)), pancreatic cancer (PMID: 38350919 (2024)) and unspecified hereditary cancer (PMID: 32906215 (2020)). This variant has also been observed in reportedly unaffected individuals (PMIDs: 36243179 (2022), 30287823 (2018)). Functional studies indicate this variant has partial to neutral effects on CHEK2 kinase activity (PMIDs: 28199314 (2017), 17721994 (2007)). The frequency of this variant in the general population (Genome Aggregation Database) is uninformative in the assessment of its pathogenicity. Based on the available information, we are unable to determine the clinical significance of this variant.

Color Diagnostics, LLC DBA Color Health
Classification: Uncertain significance for Hereditary cancer-predisposing syndrome. Last evaluated: 2025-03-31. Review status: criteria provided, single submitter. Criteria: ACMG Guidelines, 2015. Collection method: clinical testing. Allele origin: germline.
Comment: This variant is a five amino acid, in-frame deletion located in exon 2 of the CHEK2 protein. Functional studies measuring kinase activity are inconclusive as to the impact of this variant on CHEK2 function (PMID: 12533788, 28199314). This variant has been reported in individuals affected with breast cancer, endometrial cancer, prostate cancer, and paraganglioma (PMID: 12533788, 25980754, 29522266, 31054147, 32190957, 34630562). This variant has also been identified in 42/282800 chromosomes in the general population by the Genome Aggregation Database (gnomAD). The available evidence is insufficient to determine the role of this variant in disease conclusively. Therefore, this variant is classified as a Variant of Uncertain Significance.

Center for Genomic Medicine, Rigshospitalet, Copenhagen University Hospital
Classification: Uncertain significance. Last evaluated: 2025-03-04. Review status: criteria provided, single submitter. Criteria: ACMG Guidelines, 2015. Collection method: clinical testing. Allele origin: germline.

Mendelics
Classification: Likely benign for Hereditary cancer. Last evaluated: 2025-02-26. Review status: criteria provided, single submitter. Criteria: ACMG Guidelines, 2015. Collection method: clinical testing. Allele origin: unknown.
Comment: This variant is considered likely benign or benign based on one or more of the following: it is predicted to be benign by multiple in silico algorithms, and/or has population frequency not consistent with disease, and/or has normal protein function, and/or has lack of segregation with disease, and/or has been detected in co-occurrence with known pathogenic variant, and/or has lack of disease association in case-control studies, and/or is located in a region inconsistent with a known cause of pathogenicity.

Department of Pathology and Laboratory Medicine, Sinai Health System
Classification: Uncertain significance for CHEK2-related cancer predisposition. Last evaluated: 2025-02-06. Review status: criteria provided, single submitter. Criteria: ACMG Guidelines, 2015. Collection method: clinical testing. Allele origin: germline. Affected: yes.

Myriad Genetics, Inc.
Classification: Likely benign for Familial cancer of breast. Last evaluated: 2024-10-01. Review status: criteria provided, single submitter. Criteria: Myriad Autosomal Dominant, Autosomal Recessive and X-Linked Classification Criteria (2023). Collection method: clinical testing. Allele origin: unknown.
Comment: This variant is considered likely benign. This variant is strongly associated with less severe personal and family histories of cancer, typical for individuals without pathogenic variants in this gene [PMID: 25085752].

Molecular Pathology, Peter Maccallum Cancer Centre
Classification: Uncertain significance for Familial cancer of breast. Last evaluated: 2024-09-02. Review status: criteria provided, single submitter. Criteria: ACMG Guidelines, 2015. Collection method: clinical testing. Allele origin: germline. Inheritance: Autosomal dominant inheritance.

Fulgent Genetics
Classification: Uncertain significance for Familial prostate cancer; Bone osteosarcoma; CHEK2-related cancer predisposition. Last evaluated: 2024-06-08. Review status: criteria provided, single submitter. Criteria: ACMG Guidelines, 2015. Collection method: clinical testing. Allele origin: germline.

Blueprint Genetics
Classification: Uncertain significance. Last evaluated: 2024-02-27. Review status: criteria provided, single submitter. Criteria: ACMG Guidelines, 2015. Collection method: clinical testing. Allele origin: germline.

Ambry Genetics
Classification: Likely benign for Hereditary cancer-predisposing syndrome. Last evaluated: 2024-02-05. Review status: criteria provided, single submitter. Criteria: Ambry Variant Classification Scheme 2023. Collection method: clinical testing. Allele origin: germline.

CeGaT Center for Human Genetics Tuebingen
Classification: Uncertain significance. Last evaluated: 2023-12-01. Review status: criteria provided, single submitter. Criteria: CeGaT Center For Human Genetics Tuebingen Variant Classification Criteria Version 2. Collection method: clinical testing. Allele origin: germline. Affected: yes. Observed: 2 variant alleles.
Comment: CHEK2: PM4, PS3:Supporting

KCCC/NGS Laboratory, Kuwait Cancer Control Center
Classification: Uncertain significance for Familial cancer of breast. Last evaluated: 2023-07-04. Review status: criteria provided, single submitter. Criteria: ACMG Guidelines, 2015. Collection method: clinical testing. Allele origin: unknown. Inheritance: Autosomal dominant inheritance. Affected: yes. Observed: 1 heterozygote.
Comment: This variant, c.246_260del, results in the deletion of 5 amino acid(s) of the CHEK2 protein (p.Asp82_Glu86del), but otherwise preserves the integrity of the reading frame. This variant is present in population databases (rs587780181, gnomAD 0.03%). This variant has been observed in individual(s) with breast cancer, prostate cancer, non-Hodgkin's lymphoma, as well as in an individual who underwent genetic testing for Lynch syndrome (PMID: 11949635, 12533788, 17721994, 25980754, 28199314). This variant is also known as 245del15, del223-237, delP75-E79 and D77‚ÄìE82del. ClinVar contains an entry for this variant (Variation ID: 128069). Algorithms developed to predict the effect of variants on protein structure and function are not available or were not evaluated for this variant. Experimental studies have shown that this variant affects CHEK2 function (PMID: 17721994, 28199314). Another study showed significant reduction of kinase activity, however, when normalized to protein expression level, kinase activity was similar to wild-type (Scarpa 2017) In summary, the available evidence is currently insufficient to determine the role of this variant in disease. Therefore, it has been classified as a Variant of Uncertain Significance.

Institute for Biomarker Research, Medical Diagnostic Laboratories, L.L.C.
Classification: Uncertain significance for Hereditary cancer-predisposing syndrome. Last evaluated: 2023-05-16. Review status: criteria provided, single submitter. Criteria: ACMG Guidelines, 2015. Collection method: clinical testing. Allele origin: germline.

Institute of Human Genetics, University of Leipzig Medical Center
Classification: Uncertain significance for Familial cancer of breast. Last evaluated: 2023-04-04. Review status: criteria provided, single submitter. Criteria: ACMG Guidelines, 2015. Collection method: clinical testing. Allele origin: unknown. Affected: yes.
Comment: _x000D_ Criteria applied: PS3_MOD, PM4, PS4_SUP

Laboratorio de Genetica e Diagnostico Molecular, Hospital Israelita Albert Einstein
Classification: Uncertain significance for Familial cancer of breast. Last evaluated: 2022-12-10. Review status: criteria provided, single submitter. Criteria: ACMG Guidelines, 2015. Collection method: clinical testing. Allele origin: germline. Affected: yes. Observed: 1 variant allele.
Comment: ACMG classification criteria: PS3 supporting, PM4

Revvity Omics, Revvity
Classification: Uncertain significance. Last evaluated: 2022-10-11. Review status: criteria provided, single submitter. Criteria: ACMG Guidelines, 2015. Collection method: clinical testing. Allele origin: germline.

Sema4
Classification: Uncertain significance for Hereditary cancer-predisposing syndrome. Last evaluated: 2021-11-22. Review status: criteria provided, single submitter. Criteria: Sema4 Curation Guidelines. Collection method: curation. Allele origin: germline.
Comment: The CHEK2 c.246_260del (p.D82_E86del) in-frame deletion variant has been reported in at least 7 individuals with prostate cancer, non-Hodgkin lymphoma (NHL), Lynch syndrome-associated cancer and/or colorectal polyps, or a hereditary cancer predisposition syndrome (PMID: 31159747, 25980754, 17721994, 11949635, 12533788, 32906215). One in vitro functional study showed that this variant causes partial loss of kinase activity (PMID: 17721994), while another in vitro functional study showed a reduction in protein expression but normal levels of kinase activity (PMID: 28199314). It is also known as 245del15, p.D77-E82del, and delP75-E79 in the literature. This variant was observed in 42/282800 chromosomes, with no homozygotes, from large and broad populations by the Genome Aggregation Database (PMID: 32461654), and has been reported in ClinVar (Variation ID: 142032). The overall evidence is inconsistent with ACMG/AMP requirements for a classification of benign or pathogenic. In summary, the clinical significance of this variant is currently uncertain.

CHEO Genetics Diagnostic Laboratory, Children's Hospital of Eastern Ontario
Classification: Uncertain significance for Breast and/or ovarian cancer. Last evaluated: 2021-08-27. Review status: criteria provided, single submitter. Criteria: ACMG Guidelines, 2015. Collection method: clinical testing. Allele origin: germline.